The following is an entry in ClinVar:

ClinVar aggregate classification (germline): Pathogenic (1 of 4 stars; one submission).

Conditions:
Hereditary spastic paraplegia 4. Also called: Spastic Paraplegia 4; Familial spastic paraplegia autosomal dominant 2; Spastic paraplegia 4, autosomal dominant. Identifiers: Orphanet 100985, MedGen C1866855, MONDO:0008438, OMIM 182601.

Submission:

Labcorp Genetics (formerly Invitae), Labcorp
Classification: Pathogenic for Hereditary spastic paraplegia 4. Last evaluated: 2018-11-13. Review status: criteria provided, single submitter. Criteria: Invitae Variant Classification Sherloc (09022015). Collection method: clinical testing. Allele origin: germline.
Comment: This sequence change replaces arginine with serine at codon 498 of the SPAST protein (p.Arg498Ser). The arginine residue is highly conserved and there is a moderate physicochemical difference between arginine and serine. Algorithms developed to predict the effect of missense changes on protein structure and function are either unavailable or do not agree on the potential impact of this missense change (SIFT: "Deleterious"; PolyPhen-2: "Benign"; Align-GVGD: "Class C65"). This variant has been observed in individuals affected with spastic paraplegia, including at least one individual in whom this variant was found to be de novo (PMID: 26671083, Invitae). ClinVar contains an entry for this variant (Variation ID: 536434). This variant is not present in population databases (ExAC no frequency). For these reasons, this variant has been classified as Pathogenic. This variant disrupts the p.Arg498 amino acid residue in SPAST. Other variants that disrupt this residue have been observed in individuals with SPAST-related disease (PMID: 16832076, 20932283, 28572275), suggesting that it is a clinically significant residue. As a result, variants that disrupt this residue are likely to be causative of disease. Algorithms developed to predict the effect of sequence changes on RNA splicing suggest that this variant may disrupt the consensus splice site, but this prediction has not been confirmed by published transcriptional studies.

Literature cited by the submitters: PubMed 26671083; PubMed 16832076; PubMed 20932283; PubMed 28572275.

NM_014946.4(SPAST):c.1494G>C (p.Arg498Ser)

Gene: SPAST (spastin; plus strand). Cytogenetic location: 2p22.3.
Variant type: single nucleotide variant.
Coding change: c.1494G>C on transcript NM_014946.4 (MANE Select); coding-DNA position 1494, G replaced by C.
Protein change: p.Arg498Ser; replaces arginine 498 with serine.
Molecular consequence: missense variant.
Genome position (GRCh38, 1-based): chr2:32,141,904, G>C. VCF-style: chr2-32141904-G-C. GRCh37 (hg19) VCF-style: chr2-32366973-G-C.
Other names: c.1491G>C, p.Arg497Ser (NM_001363823.2); c.1395G>C, p.Arg465Ser (NM_001363875.2); c.1398G>C, p.Arg466Ser (NM_001377959.1, NM_199436.2); short protein forms R498S, R466S, R497S, R465S.
Identifiers: ClinVar variation 536434 (VCV000536434.9), dbSNP rs1553319075, ClinGen allele CA346502816.
Genomic context (GRCh38, chr2:32,141,904, plus strand): 5'-TGCTGTTTCAGCTTTAAATTCAAAATTATATTTCTAAAAGTGCTGGATTTTTTTTTTTAG[G>C]CGTTTCATCAAACGGGTATATGTGTCTTTACCAAATGAGGAGGTATGTATCTGTGTTTGA-3'
Protein context (NP_055761.2, residues 488-508): RPQELDEAVL[Arg498Ser]RFIKRVYVSL